The following is an entry in ClinVar:

NM_002591.4(PCK1):c.1674C>T (p.Ile558=)

Gene: PCK1 (phosphoenolpyruvate carboxykinase 1; plus strand). Cytogenetic location: 20q13.31.
Variant type: single nucleotide variant.
Coding change: c.1674C>T on transcript NM_002591.4 (MANE Select); coding-DNA position 1674, C replaced by T.
Protein change: p.Ile558=; no amino-acid change (isoleucine 558 retained).
Molecular consequence: synonymous variant.
Genome position (GRCh38, 1-based): chr20:57,565,609, C>T. VCF-style: chr20-57565609-C-T. GRCh37 (hg19) VCF-style: chr20-56140665-C-T.
Identifiers: ClinVar variation 338894 (VCV000338894.15), dbSNP rs115841045, ClinGen allele CA9922444.

ClinVar aggregate classification (germline): Benign/Likely benign. Review status: criteria provided, multiple submitters, no conflicts (2 of 4 stars). 4 submissions from 4 submitters: Benign (3); Likely benign (1). Last evaluated 2026-01-12.

Conditions:
Phosphoenolpyruvate carboxykinase deficiency, cytosolic (PCKDC). Also called: PCK1 DEFICIENCY, CYTOSOLIC; PEPCK DEFICIENCY, CYTOSOLIC. Identifiers: Orphanet 2880, MedGen C5574905, MONDO:0009866, OMIM 261680.

Allele frequency attached by ClinVar (database versions not stated): 1000 Genomes Project 0.01198; TOPMed 0.01306; 1000 Genomes Project 30x 0.01359; ESP Exome Variant Server 0.01430.
gnomAD v4.1: 3,326 of 1,614,190 alleles (0.21%); highest among the groups gnomAD compares: African/African-American, 3.9%; 50 homozygotes.

Submissions (4):

Labcorp Genetics (formerly Invitae), Labcorp
Classification: Benign. Last evaluated: 2026-01-12. Review status: criteria provided, single submitter. Criteria: Invitae Variant Classification Sherloc (09022015). Collection method: clinical testing. Allele origin: germline.

Fulgent Genetics
Classification: Likely benign for Phosphoenolpyruvate carboxykinase deficiency, cytosolic. Last evaluated: 2021-09-01. Review status: criteria provided, single submitter. Criteria: ACMG Guidelines, 2015. Collection method: clinical testing. Allele origin: unknown.

Illumina Laboratory Services, Illumina
Classification: Benign for Phosphoenolpyruvate carboxykinase deficiency, cytosolic. Last evaluated: 2018-01-13. Review status: criteria provided, single submitter. Criteria: ICSL Variant Classification Criteria 13 December 2019. Collection method: clinical testing. Allele origin: germline.
Comment: This variant was observed in the ICSL laboratory as part of a predisposition screen in an ostensibly healthy population. It had not been previously curated by ICSL or reported in the Human Gene Mutation Database (HGMD: prior to June 1st, 2018), and was therefore a candidate for classification through an automated scoring system. Utilizing variant allele frequency, disease prevalence and penetrance estimates, and inheritance mode, an automated score was calculated to assess if this variant is too frequent to cause the disease. Based on the score and internal cut-off values, a variant classified as benign is not then subjected to further curation. The score for this variant resulted in a classification of benign for this disease.

Breakthrough Genomics
Classification: Benign. Review status: criteria provided, single submitter. Criteria: ACMG Guidelines, 2015. Collection method: not provided. Allele origin: germline. Inheritance: Autosomal recessive inheritance. Affected: yes.